The following is an entry in ClinVar:

ClinVar aggregate classification (germline): Uncertain significance (1 of 4 stars; one submission).

Allele frequency attached by ClinVar (database versions not stated): TOPMed 0.00001.
gnomAD v4.1: 5 of 1,532,486 alleles (0.00033%); highest among the groups gnomAD compares: Non-Finnish European, 0.00044%; no homozygotes.

Submission:

Ambry Genetics
Classification: Uncertain significance. Last evaluated: 2021-07-25. Review status: criteria provided, single submitter. Criteria: Ambry Variant Classification Scheme 2023. Collection method: clinical testing. Allele origin: germline.
Comment: The p.D23E variant (also known as c.69C>G), located in coding exon 1 of the PRKDC gene, results from a C to G substitution at nucleotide position 69. The aspartic acid at codon 23 is replaced by glutamic acid, an amino acid with highly similar properties. This amino acid position is conserved. In addition, this alteration is predicted to be tolerated by in silico analysis. Since supporting evidence is limited at this time, the clinical significance of this alteration remains unclear.

NM_006904.7(PRKDC):c.69C>G (p.Asp23Glu)

Genes: PRKDC (protein kinase, DNA-activated, catalytic subunit; minus strand), LOC129929030 (ATAC-STARR-seq lymphoblastoid silent region 19177; plus strand). Cytogenetic location: 8q11.21.
Variant type: single nucleotide variant.
Coding change: c.69C>G on transcript NM_006904.7 (MANE Select); coding-DNA position 69, C replaced by G.
Protein change: p.Asp23Glu; replaces aspartic acid 23 with glutamic acid.
Molecular consequence: missense variant.
Genome position (GRCh38, 1-based): chr8:47,960,058, G>C on the plus strand (C>G on the coding strand, the complement: PRKDC is on the minus strand). VCF-style: chr8-47960058-G-C. GRCh37 (hg19) VCF-style: chr8-48872618-G-C.
Other names: c.69C>G, p.Asp23Glu (NM_001081640.2); short protein forms D23E.
Identifiers: ClinVar variation 1756554 (VCV001756554.2), dbSNP rs1386916416, ClinGen allele CA371142918.